The following is an entry in ClinVar:

NM_033004.4(NLRP1):c.4199T>G (p.Leu1400Trp)

Gene: NLRP1 (NLR family pyrin domain containing 1; minus strand). Cytogenetic location: 17p13.2.
Variant type: single nucleotide variant.
Coding change: c.4199T>G on transcript NM_033004.4 (MANE Select); coding-DNA position 4199, T replaced by G.
Protein change: p.Leu1400Trp; replaces leucine 1400 with tryptophan.
Molecular consequence: missense variant. On other transcripts: intron variant (1).
Genome position (GRCh38, 1-based): chr17:5,514,977, A>C on the plus strand (T>G on the coding strand, the complement: NLRP1 is on the minus strand). VCF-style: chr17-5514977-A-C. GRCh37 (hg19) VCF-style: chr17-5418297-A-C.
Other names: c.4067T>G, p.Leu1356Trp (NM_014922.5); c.4109T>G, p.Leu1370Trp (NM_033006.4); c.3977T>G, p.Leu1326Trp (NM_033007.4); c.4069+2769T>G (NM_001033053.3); short protein forms L1356W, L1370W, L1400W, L1326W.
Identifiers: ClinVar variation 1967027 (VCV001967027.5), dbSNP rs761021425, ClinGen allele CA8326608.
Genomic context (GRCh38, chr17:5,514,977, plus strand): 5'-TTCTCAGCCAGCACCCTCTCGTACTGCTCCTGGCTCAGCACCTGTCCATGCAGTTTGTCC[A>C]AGACAACCTCCACCGATGTCACTCGGGCTATCAGCTGCTCTCGATACTGGTCCACAAAGT-3'
Protein context (NP_127497.1, residues 1390-1410): IARVTSVEVV[Leu1400Trp]DKLHGQVLSQ

ClinVar aggregate classification (germline): Uncertain significance (1 of 4 stars; one submission).

Allele frequency attached by ClinVar (database versions not stated): gnomAD 0.00001; gnomAD exomes 0.00001; ExAC 0.00001; TOPMed 0.00001.
gnomAD v4.1: 15 of 1,614,132 alleles (0.00093%); highest among the groups gnomAD compares: South Asian, 0.0077%; no homozygotes.

Submission:

Labcorp Genetics (formerly Invitae), Labcorp
Classification: Uncertain significance. Last evaluated: 2022-02-28. Review status: criteria provided, single submitter. Criteria: Invitae Variant Classification Sherloc (09022015). Collection method: clinical testing. Allele origin: germline.
Comment: This sequence change replaces leucine, which is neutral and non-polar, with tryptophan, which is neutral and slightly polar, at codon 1400 of the NLRP1 protein (p.Leu1400Trp). In summary, the available evidence is currently insufficient to determine the role of this variant in disease. Therefore, it has been classified as a Variant of Uncertain Significance. Algorithms developed to predict the effect of missense changes on protein structure and function are either unavailable or do not agree on the potential impact of this missense change (SIFT: "Deleterious"; PolyPhen-2: "Probably Damaging"; Align-GVGD: "Class C0"). This variant has not been reported in the literature in individuals affected with NLRP1-related conditions. This variant is present in population databases (rs761021425, gnomAD 0.006%).